The following is an entry in ClinVar:

NM_001371986.1(UNC80):c.1649T>C (p.Leu550Pro)

Genes: UNC80 (unc-80 subunit of NALCN channel complex; plus strand), LOC122861286 (Sharpr-MPRA regulatory region 8450; plus strand). Cytogenetic location: 2q34.
Variant type: single nucleotide variant.
Coding change: c.1649T>C on transcript NM_001371986.1 (MANE Select); coding-DNA position 1649, T replaced by C.
Protein change: p.Leu550Pro; replaces leucine 550 with proline.
Molecular consequence: missense variant.
Genome position (GRCh38, 1-based): chr2:209,817,908, T>C. VCF-style: chr2-209817908-T-C. GRCh37 (hg19) VCF-style: chr2-210682632-T-C.
Other names: c.1649T>C, p.Leu550Pro (NM_032504.2, NM_182587.4); short protein forms L550P.
Identifiers: ClinVar variation 2051312 (VCV002051312.4), dbSNP rs1348185148, ClinGen allele CA350135283.

ClinVar aggregate classification (germline): Uncertain significance (1 of 4 stars; one submission).

Allele frequency attached by ClinVar (database versions not stated): TOPMed below 0.00001; gnomAD exomes below 0.00001.
gnomAD v4.1: 1 of 1,551,566 alleles (0.000064%); highest among the groups gnomAD compares: Admixed American, 0.002%; no homozygotes.

Submission:

Labcorp Genetics (formerly Invitae), Labcorp
Classification: Uncertain significance. Last evaluated: 2023-12-11. Review status: criteria provided, single submitter. Criteria: Invitae Variant Classification Sherloc (09022015). Collection method: clinical testing. Allele origin: germline.
Comment: This sequence change replaces leucine, which is neutral and non-polar, with proline, which is neutral and non-polar, at codon 550 of the UNC80 protein (p.Leu550Pro). This variant is present in population databases (no rsID available, gnomAD 0.004%). This variant has not been reported in the literature in individuals affected with UNC80-related conditions. ClinVar contains an entry for this variant (Variation ID: 2051312). An algorithm developed to predict the effect of missense changes on protein structure and function (PolyPhen-2) suggests that this variant is likely to be tolerated. In summary, the available evidence is currently insufficient to determine the role of this variant in disease. Therefore, it has been classified as a Variant of Uncertain Significance.